The following is an entry in ClinVar:

NM_001876.4(CPT1A):c.539_540del (p.Lys180fs)

Gene: CPT1A (carnitine palmitoyltransferase 1A; minus strand). Cytogenetic location: 11q13.3.
Variant type: Deletion.
Coding change: c.539_540del on transcript NM_001876.4 (MANE Select); coding-DNA positions 539 to 540, 2 bases deleted (AA; older notation c.539_540delAA).
Protein change: p.Lys180fs; shifts the reading frame from lysine 180.
Molecular consequence: frameshift variant.
Genome position (GRCh38, 1-based): chr11:68,804,015-68,804,016, TT deleted on the plus strand (AA on the coding strand, the reverse complement: CPT1A is on the minus strand); deleting any 2 consecutive bases within chr11:68,804,015-68,804,017 gives the same sequence; the c. name uses the placement nearest the transcript's 3' end. VCF-style (leftmost placement, unchanged base first): chr11-68804014-CTT-C. GRCh37 (hg19) VCF-style: chr11-68571482-CTT-C.
Other names: c.539_540del, p.Lys180fs (NM_001031847.3); short protein forms K180fs.
Identifiers: ClinVar variation 934646 (VCV000934646.8), dbSNP rs1319341024, ClinGen allele CA599991978.

ClinVar aggregate classification (germline): Pathogenic. Review status: criteria provided, multiple submitters, no conflicts (2 of 4 stars). 2 submissions from 2 submitters: Pathogenic (2). Last evaluated 2024-08-31.

Conditions:
Carnitine palmitoyl transferase 1A deficiency. Also called: Carnitine palmitoyltransferase type I deficiency; Carnitine palmitoyltransferase 1A deficiency; CPT deficiency, hepatic, type IA; CPT I DEFICIENCY; CPT DEFICIENCY, HEPATIC, TYPE I. Identifiers: Orphanet 156, MedGen C1829703, MONDO:0009705, OMIM 255120.

Submissions (2):

Myriad Genetics, Inc.
Classification: Pathogenic for Carnitine palmitoyl transferase 1A deficiency. Last evaluated: 2024-08-31. Review status: criteria provided, single submitter. Criteria: Myriad Autosomal Dominant, Autosomal Recessive and X-Linked Classification Criteria (2023). Collection method: clinical testing. Allele origin: unknown.
Comment: NM_001876.3(CPT1A):c.539_540delAA(K180Rfs*133) is expected to be pathogenic in the context of carnitine palmitoyltransferase IA deficiency. This variant is predicted to lead to an abnormal or absent protein product due to the creation of a premature termination codon in CPT1A, a gene where loss-of-function variants are known to be pathogenic. Please note: this variant was assessed in the context of healthy population screening.

Labcorp Genetics (formerly Invitae), Labcorp
Classification: Pathogenic for Carnitine palmitoyl transferase 1A deficiency. Last evaluated: 2022-11-29. Review status: criteria provided, single submitter. Criteria: Invitae Variant Classification Sherloc (09022015). Collection method: clinical testing. Allele origin: germline.
Comment: This sequence change creates a premature translational stop signal (p.Lys180Argfs*133) in the CPT1A gene. It is expected to result in an absent or disrupted protein product. Loss-of-function variants in CPT1A are known to be pathogenic (PMID: 16169268). For these reasons, this variant has been classified as Pathogenic. ClinVar contains an entry for this variant (Variation ID: 934646). This variant has not been reported in the literature in individuals affected with CPT1A-related conditions. This variant is present in population databases (no rsID available, gnomAD 0.0009%).

Literature cited by the submitters: PubMed 16169268 (cited by Labcorp Genetics (formerly Invitae), Labcorp).